The following is an entry in ClinVar:

NM_153717.3(EVC):c.70G>T (p.Ala24Ser)

Gene: EVC (EvC ciliary complex subunit 1; plus strand). Cytogenetic location: 4p16.2.
Variant type: single nucleotide variant.
Coding change: c.70G>T on transcript NM_153717.3 (MANE Select); coding-DNA position 70, G replaced by T.
Protein change: p.Ala24Ser; replaces alanine 24 with serine.
Molecular consequence: missense variant.
Genome position (GRCh38, 1-based): chr4:5,711,450, G>T. VCF-style: chr4-5711450-G-T. GRCh37 (hg19) VCF-style: chr4-5713177-G-T.
Other names: c.70G>T, p.Ala24Ser (NM_001306090.2, NM_001306092.2); short protein forms A24S.
Identifiers: ClinVar variation 2632960 (VCV002632960.3), dbSNP rs1449662223, ClinGen allele CA356156460.

ClinVar aggregate classification (germline): Uncertain significance. Review status: criteria provided, multiple submitters, no conflicts (2 of 4 stars). 3 submissions from 3 submitters: Uncertain significance (3). Last evaluated 2026-05-12.

Conditions:
EVC-related disorder. Also called: EVC-related condition; EVC-related disorders.
Inborn genetic diseases. Identifiers: MedGen C0950123, MeSH D030342.

Allele frequency attached by ClinVar (database versions not stated): gnomAD 0.00003; TOPMed 0.00005; 1000 Genomes Project 30x 0.00031.

Submissions (3):

Women's Health and Genetics/Laboratory Corporation of America, LabCorp
Classification: Uncertain significance. Last evaluated: 2026-05-12. Review status: criteria provided, single submitter. Criteria: LabCorp Variant Classification Summary - May 2015. Collection method: clinical testing. Allele origin: germline.

Ambry Genetics
Classification: Uncertain significance for Inborn genetic diseases. Last evaluated: 2024-05-07. Review status: criteria provided, single submitter. Criteria: Ambry Variant Classification Scheme 2023. Collection method: clinical testing. Allele origin: germline.

PreventionGenetics, part of Exact Sciences
Classification: Uncertain significance for EVC-related condition. Last evaluated: 2023-10-01. Review status: criteria provided, single submitter. Criteria: ACMG Guidelines, 2015. Collection method: clinical testing. Allele origin: germline.
Comment: The EVC c.70G>T variant is predicted to result in the amino acid substitution p.Ala24Ser. To our knowledge, this variant has not been reported in the literature or in a large population database, indicating this variant is rare. At this time, the clinical significance of this variant is uncertain due to the absence of conclusive functional and genetic evidence.